The following is an entry in ClinVar:

NM_005902.4(SMAD3):c.715G>A (p.Glu239Lys)

Gene: SMAD3 (SMAD family member 3; plus strand). Cytogenetic location: 15q22.33.
Variant type: single nucleotide variant.
Coding change: c.715G>A on transcript NM_005902.4 (MANE Select); coding-DNA position 715, G replaced by A.
Protein change: p.Glu239Lys; replaces glutamic acid 239 with lysine.
Molecular consequence: missense variant.
Genome position (GRCh38, 1-based): chr15:67,181,297, G>A. VCF-style: chr15-67181297-G-A. GRCh37 (hg19) VCF-style: chr15-67473635-G-A.
Other names: p.E239K:GAG>AAG; c.400G>A, p.Glu134Lys (NM_001145102.2); c.583G>A, p.Glu195Lys (NM_001145103.2); c.130G>A, p.Glu44Lys (NM_001145104.2); short protein forms E239K, E195K, E134K, E44K.
Identifiers: ClinVar variation 30311 (VCV000030311.40), dbSNP rs387906853, ClinGen allele CA020100.

ClinVar aggregate classification (germline): Pathogenic/Likely pathogenic. Review status: criteria provided, multiple submitters, no conflicts (2 of 4 stars). 7 submissions from 7 submitters: Pathogenic (1); Likely pathogenic (5). 1 of the submissions does not count toward it. Last evaluated 2025-09-30.

Conditions:
SMAD3-related disorder. Also called: SMAD3-related condition.
Familial thoracic aortic aneurysm and aortic dissection (TAAD). Also called: Thoracic aortic aneurysms and dissections. Identifiers: Orphanet 91387, MedGen C4707243, MONDO:0019625.
Aneurysm-osteoarthritis syndrome. Also called: SMAD3-Related Loeys-Dietz Syndrome; Loeys-Dietz syndrome, type 1C; LOEYS-DIETZ SYNDROME WITH OSTEOARTHRITIS; ANEURYSMS-OSTEOARTHRITIS SYNDROME. Identifiers: Orphanet 284984, MedGen C3151087, MONDO:0013426, OMIM 613795.

Submissions (7):

GeneDx
Classification: Likely pathogenic. Last evaluated: 2025-09-30. Review status: criteria provided, single submitter. Criteria: GeneDx Variant Classification Process June 2021. Collection method: clinical testing. Allele origin: germline. Affected: yes.
Comment: Observed in multiple unrelated patients from different ethnic backgrounds with TAAD referred for genetic testing at GeneDx and in the published literature (PMID: 29392890, 25644172, 21778426, 25555948, 30739908, 30661052); Not observed at significant frequency in large population cohorts (gnomAD); In silico analysis supports that this missense variant has a deleterious effect on protein structure/function; This variant is associated with the following publications: (PMID: 25555948, 25644172, 21778426, 28185953, 30661052, 30739908, 35487415, 31447099, 29392890)

Ambry Genetics
Classification: Likely pathogenic for Familial thoracic aortic aneurysm and aortic dissection. Last evaluated: 2025-01-27. Review status: criteria provided, single submitter. Criteria: Ambry Variant Classification Scheme 2023. Collection method: clinical testing. Allele origin: germline.
Comment: The p.E239K variant (also known as c.715G>A), located in coding exon 6 of the SMAD3 gene, results from a G to A substitution at nucleotide position 715. The glutamic acid at codon 239 is replaced by lysine, an amino acid with similar properties. This variant was reported in individual(s) with features consistent with Loeys-Dietz syndrome (Regalado ES et al. Circ Res, 2011 Sep;109:680-6; Campens L et al. Orphanet J Rare Dis, 2015 Feb;10:9; Panesi P et al. Ann Thorac Surg, 2015 Jan;99:303-5; Arnaud P et al. Genet Med, 2019 Sep;21:2015-2024). This variant is considered to be rare based on population cohorts in the Genome Aggregation Database (gnomAD). This amino acid position is highly conserved in available vertebrate species. In addition, this alteration is predicted to be deleterious by in silico analysis. Based on the majority of available evidence to date, this variant is likely to be pathogenic.

Labcorp Genetics (formerly Invitae), Labcorp
Classification: Likely pathogenic for Familial thoracic aortic aneurysm and aortic dissection. Last evaluated: 2024-12-19. Review status: criteria provided, single submitter. Criteria: Invitae Variant Classification Sherloc (09022015). Collection method: clinical testing. Allele origin: germline.
Comment: This sequence change replaces glutamic acid, which is acidic and polar, with lysine, which is basic and polar, at codon 239 of the SMAD3 protein (p.Glu239Lys). This variant is not present in population databases (gnomAD no frequency). This missense change has been observed in individuals with SMAD3-related conditions (PMID: 21778426, 25555948, 30739908, 35487415; internal data). It has also been observed to segregate with disease in related individuals. ClinVar contains an entry for this variant (Variation ID: 30311). Invitae Evidence Modeling of protein sequence and biophysical properties (such as structural, functional, and spatial information, amino acid conservation, physicochemical variation, residue mobility, and thermodynamic stability) indicates that this missense variant is expected to disrupt SMAD3 protein function with a positive predictive value of 80%. In summary, the currently available evidence indicates that the variant is pathogenic, but additional data are needed to prove that conclusively. Therefore, this variant has been classified as Likely Pathogenic.

CeGaT Center for Human Genetics Tuebingen
Classification: Likely pathogenic. Last evaluated: 2023-01-01. Review status: criteria provided, single submitter. Criteria: CeGaT Center For Human Genetics Tuebingen Variant Classification Criteria Version 2. Collection method: clinical testing. Allele origin: germline. Affected: yes. Observed: 1 variant allele.
Comment: SMAD3: PM2, PP1, PP2, PP3, PP4

Blueprint Genetics
Classification: Pathogenic for SMAD3-related disorders. Last evaluated: 2021-03-17. Review status: criteria provided, single submitter. Criteria: ACMG Guidelines, 2015. Collection method: clinical testing. Allele origin: germline. Affected: yes. Observed: 1 variant allele.

Human Genome Sequencing Center Clinical Lab, Baylor College of Medicine
Classification: Likely pathogenic for Aneurysm-osteoarthritis syndrome. Last evaluated: 2017-07-06. Review status: criteria provided, single submitter. Criteria: ACMG Guidelines, 2015. Collection method: clinical testing. Allele origin: germline.
Comment: This c.715G>A (p.Glu239Lys) variant in the SMAD3 gene has been reported in multiple patients with thoracic aortic disorders [PMID 21778426, 25644172, 25555948]. Among them, this variant was detected in three affected siblings, all carriers, while another sibling was unaffected and non carrier [PMID 21778426]. This variant is conserved in mammals. While not clinically validated, computer-based algorithms SIFT and Polyphen-2 predict the protein change to be deleterious. It is thus classified as likely pathogenic.

OMIM
Classification: Pathogenic for LOEYS-DIETZ SYNDROME 3. Last evaluated: 2011-09-02. Review status: no assertion criteria provided. Collection method: literature only. Allele origin: germline. Not counted in ClinVar's aggregate classification.

Literature cited by the submitters: PubMed 21778426 (cited by 3 submitters); PubMed 25555948 (cited by Ambry Genetics and Labcorp Genetics (formerly Invitae), Labcorp); PubMed 25644172 (cited by Ambry Genetics); PubMed 30739908 (cited by Ambry Genetics and Labcorp Genetics (formerly Invitae), Labcorp); PubMed 31447099 (cited by Ambry Genetics); PubMed 35487415 (cited by Labcorp Genetics (formerly Invitae), Labcorp).